The following is an entry in ClinVar:

ClinVar aggregate classification (germline): Uncertain significance (1 of 4 stars; one submission).

Submission:

ARUP Laboratories, Molecular Genetics and Genomics, ARUP Laboratories
Classification: Uncertain significance. Last evaluated: 2017-12-22. Review status: criteria provided, single submitter. Criteria: ARUP Molecular Germline Variant Investigation Process. Collection method: clinical testing. Allele origin: germline.
Comment: The m.8156G>C variant affects the MT-CO2 gene which encodes a subunit of mitochondrial complex IV. Although this variant is rare in the general population (identified in a single individual in MITOMAP), it affects a poorly conserved amino acid (MITOMAP). Therefore, based on the available information, the clinical significance of the m.8156G>C variant cannot be determined with certainty. Pathogenic variants in MT-CO2 are associated with cytochrome c oxidase deficiency.

NC_012920.1:m.8156G>C

Gene: MT-CO2 (mitochondrially encoded cytochrome c oxidase II; plus strand).
Variant type: single nucleotide variant.
Genome position: chrM-8156-G-C.
Identifiers: ClinVar variation 618723 (VCV000618723.8), dbSNP rs1569484189, ClinGen allele CA414795263.
Genomic context (GRCh38, chrMT:8,156, plus strand): 5'-AAAACAGATGCAATTCCCGGACGTCTAAACCAAACCACTTTCACCGCTACACGACCGGGG[G>C]TATACTACGGTCAATGCTCTGAAATCTGTGGAGCAAACCACAGTTTCATGCCCATCGTCC-3'